The following is an entry in ClinVar:

ClinVar aggregate classification (germline): Uncertain significance (1 of 4 stars; one submission).

Submission:

Labcorp Genetics (formerly Invitae), Labcorp
Classification: Uncertain significance. Last evaluated: 2022-05-24. Review status: criteria provided, single submitter. Criteria: Invitae Variant Classification Sherloc (09022015). Collection method: clinical testing. Allele origin: germline.
Comment: This sequence change replaces threonine, which is neutral and polar, with lysine, which is basic and polar, at codon 693 of the PTPN23 protein (p.Thr693Lys). This variant is not present in population databases (gnomAD no frequency). This variant has not been reported in the literature in individuals affected with PTPN23-related conditions. Algorithms developed to predict the effect of missense changes on protein structure and function are either unavailable or do not agree on the potential impact of this missense change (SIFT: "Tolerated"; PolyPhen-2: "Not Available"; Align-GVGD: "Class C0"). In summary, the available evidence is currently insufficient to determine the role of this variant in disease. Therefore, it has been classified as a Variant of Uncertain Significance.

NM_015466.4(PTPN23):c.2078C>A (p.Thr693Lys)

Gene: PTPN23 (protein tyrosine phosphatase non-receptor type 23; plus strand). Cytogenetic location: 3p21.31.
Variant type: single nucleotide variant.
Coding change: c.2078C>A on transcript NM_015466.4 (MANE Select); coding-DNA position 2078, C replaced by A.
Protein change: p.Thr693Lys; replaces threonine 693 with lysine.
Molecular consequence: missense variant.
Genome position (GRCh38, 1-based): chr3:47,409,783, C>A. VCF-style: chr3-47409783-C-A. GRCh37 (hg19) VCF-style: chr3-47451273-C-A.
Other names: c.1700C>A, p.Thr567Lys (NM_001304482.2); short protein forms T693K, T567K.
Identifiers: ClinVar variation 1997383 (VCV001997383.1), dbSNP rs761812727, ClinGen allele CA352557077.
Genomic context (GRCh38, chr3:47,409,783, plus strand): 5'-AGGAGGGCAGGGACTTCTACGCAGATCTGGAGAGCAAGGTGGCTGCTCTGCTGGAGCGCA[C>A]GCAGTCCACCTGCCAGGCCCGCGAGGCTGCCCGCCAGCAGCTCCTGGACAGGTTTGTGTG-3'
Protein context (NP_056281.1, residues 683-703): ESKVAALLER[Thr693Lys]QSTCQAREAA